The following is an entry in ClinVar:

NM_005188.4(CBL):c.40G>T (p.Gly14Cys)

Genes: CBL (Cbl proto-oncogene; plus strand), LOC130006895 (ATAC-STARR-seq lymphoblastoid silent region 3975; plus strand). Cytogenetic location: 11q23.3.
Variant type: single nucleotide variant.
Coding change: c.40G>T on transcript NM_005188.4 (MANE Select); coding-DNA position 40, G replaced by T.
Protein change: p.Gly14Cys; replaces glycine 14 with cysteine.
Molecular consequence: missense variant.
Genome position (GRCh38, 1-based): chr11:119,206,457, G>T. VCF-style: chr11-119206457-G-T. GRCh37 (hg19) VCF-style: chr11-119077167-G-T.
Other names: short protein forms G14C.
Identifiers: ClinVar variation 3996005 (VCV003996005.1).
Genomic context (GRCh38, chr11:119,206,457, plus strand): 5'-GGCTCCGACCCTGCCCAGGCCATGGCCGGCAACGTGAAGAAGAGCTCTGGGGCCGGGGGC[G>T]GCAGCGGCTCCGGGGGCTCGGGTTCGGGTGGCCTGATTGGGCTCATGAAGGACGCCTTCC-3'
Protein context (NP_005179.2, residues 4-24): NVKKSSGAGG[Gly14Cys]SGSGGSGSGG

ClinVar aggregate classification (germline): Uncertain significance (1 of 4 stars; one submission).

Conditions:
Cardiovascular phenotype. Identifiers: MedGen CN230736.

gnomAD v4.1: 1 of 1,581,498 alleles (0.000063%); no homozygotes.

Submission:

Ambry Genetics
Classification: Uncertain significance for Cardiovascular phenotype. Last evaluated: 2025-04-06. Review status: criteria provided, single submitter. Criteria: Ambry Variant Classification Scheme 2023. Collection method: clinical testing. Allele origin: germline.
Comment: The p.G14C variant (also known as c.40G>T), located in coding exon 1 of the CBL gene, results from a G to T substitution at nucleotide position 40. The glycine at codon 14 is replaced by cysteine, an amino acid with highly dissimilar properties. This amino acid position is conserved. In addition, this alteration is predicted to be tolerated by in silico analysis. Based on the available evidence, the clinical significance of this variant remains unclear.